The following is an entry in ClinVar:

ClinVar aggregate classification (germline): Uncertain significance (1 of 4 stars; one submission).

Conditions:
Saldino-Mainzer syndrome (SRTD9). Also called: SHORT-RIB THORACIC DYSPLASIA 9 WITHOUT POLYDACTYLY; Renal dysplasia, retinal pigmentary dystrophy, cerebellar ataxia and skeletal dysplasia; CONORENAL SYNDROME; short-rib thoracic dysplasia 9 with or without polydactyly. Identifiers: Orphanet 140969, MedGen C1849437, MONDO:0009964, OMIM 266920.

Allele frequency attached by ClinVar (database versions not stated): TOPMed below 0.00001.

Submission:

Labcorp Genetics (formerly Invitae), Labcorp
Classification: Uncertain significance for Saldino-Mainzer syndrome. Last evaluated: 2022-02-10. Review status: criteria provided, single submitter. Criteria: Invitae Variant Classification Sherloc (09022015). Collection method: clinical testing. Allele origin: germline.
Comment: This sequence change replaces aspartic acid, which is acidic and polar, with valine, which is neutral and non-polar, at codon 789 of the IFT140 protein (p.Asp789Val). This variant is not present in population databases (gnomAD no frequency). This variant has not been reported in the literature in individuals affected with IFT140-related conditions. ClinVar contains an entry for this variant (Variation ID: 465315). Algorithms developed to predict the effect of missense changes on protein structure and function are either unavailable or do not agree on the potential impact of this missense change (SIFT: "Deleterious"; PolyPhen-2: "Probably Damaging"; Align-GVGD: "Class C0"). In summary, the available evidence is currently insufficient to determine the role of this variant in disease. Therefore, it has been classified as a Variant of Uncertain Significance.

NM_014714.4(IFT140):c.2366A>T (p.Asp789Val)

Gene: IFT140 (intraflagellar transport 140; minus strand). Cytogenetic location: 16p13.3.
Variant type: single nucleotide variant.
Coding change: c.2366A>T on transcript NM_014714.4 (MANE Select); coding-DNA position 2366, A replaced by T.
Protein change: p.Asp789Val; replaces aspartic acid 789 with valine.
Molecular consequence: missense variant.
Genome position (GRCh38, 1-based): chr16:1,557,968, T>A on the plus strand (A>T on the coding strand, the complement: IFT140 is on the minus strand). VCF-style: chr16-1557968-T-A. GRCh37 (hg19) VCF-style: chr16-1607969-T-A.
Other names: short protein forms D789V.
Identifiers: ClinVar variation 465315 (VCV000465315.8), dbSNP rs1555486589, ClinGen allele CA394199873.